The following is an entry in ClinVar:

NM_001267550.2(TTN):c.38938C>G (p.Pro12980Ala)

Gene: TTN (titin; minus strand). Cytogenetic location: 2q31.2.
Variant type: single nucleotide variant.
Coding change: c.38938C>G on transcript NM_001267550.2 (MANE Select); coding-DNA position 38938, C replaced by G.
Protein change: p.Pro12980Ala; replaces proline 12980 with alanine.
Molecular consequence: missense variant. On other transcripts: intron variant (5).
Genome position (GRCh38, 1-based): chr2:178,652,869, G>C on the plus strand (C>G on the coding strand, the complement: TTN is on the minus strand). VCF-style: chr2-178652869-G-C. GRCh37 (hg19) VCF-style: chr2-179517596-G-C.
Other names: c.13283-10552C>G (NM_003319.4); c.13859-10552C>G (NM_133437.4); c.13658-10552C>G (NM_133432.3); c.31742-328C>G (NM_133378.4); c.34523-328C>G (NM_001256850.1); short protein forms P12980A.
Identifiers: ClinVar variation 4873689 (VCV004873689.2).

ClinVar aggregate classification (germline): Uncertain significance (1 of 4 stars; one submission).

gnomAD v4.1: 76 of 1,611,728 alleles (0.0047%); highest among the groups gnomAD compares: Admixed American, 0.01%; no homozygotes.

Submission:

CeGaT Center for Human Genetics Tuebingen
Classification: Uncertain significance. Last evaluated: 2026-06-01. Review status: criteria provided, single submitter. Criteria: CeGaT Center For Human Genetics Tuebingen Variant Classification Criteria Version 2. Collection method: clinical testing. Allele origin: germline. Affected: yes. Observed: 1 variant allele.
Comment: TTN: PM2